The following is an entry in ClinVar:

NM_001278116.2(L1CAM):c.3022G>C (p.Glu1008Gln)

Gene: L1CAM (L1 cell adhesion molecule; minus strand). Cytogenetic location: Xq28.
Variant type: single nucleotide variant.
Coding change: c.3022G>C on transcript NM_001278116.2 (MANE Select); coding-DNA position 3022, G replaced by C.
Protein change: p.Glu1008Gln; replaces glutamic acid 1008 with glutamine.
Molecular consequence: missense variant.
Genome position (GRCh38, 1-based): chrX:153,864,845, C>G on the plus strand (G>C on the coding strand, the complement: L1CAM is on the minus strand). VCF-style: chrX-153864845-C-G. GRCh37 (hg19) VCF-style: chrX-153130300-C-G.
Other names: c.3022G>C, p.Glu1008Gln (NM_000425.5, NM_024003.3); c.3007G>C, p.Glu1003Gln (NM_001143963.2); short protein forms E1003Q, E1008Q.
Identifiers: ClinVar variation 4802212 (VCV004802212.1).

ClinVar aggregate classification (germline): Uncertain significance (1 of 4 stars; one submission).

Conditions:
Spastic paraplegia. Identifiers: MedGen C0037772, HP:0001258.

Submission:

Labcorp Genetics (formerly Invitae), Labcorp
Classification: Uncertain significance for Spastic paraplegia. Last evaluated: 2025-11-01. Review status: criteria provided, single submitter. Criteria: Invitae Variant Classification Sherloc (09022015). Collection method: clinical testing. Allele origin: germline.
Comment: This sequence change replaces glutamic acid, which is acidic and polar, with glutamine, which is neutral and polar, at codon 1008 of the L1CAM protein (p.Glu1008Gln). This variant is not present in population databases (gnomAD no frequency). This variant has not been reported in the literature in individuals affected with L1CAM-related conditions. Invitae Evidence Modeling of protein sequence and biophysical properties (such as structural, functional, and spatial information, amino acid conservation, physicochemical variation, residue mobility, and thermodynamic stability) has been performed for this missense variant. However, the output from this modeling did not meet the statistical confidence thresholds required to predict the impact of this variant on L1CAM protein function. In summary, the available evidence is currently insufficient to determine the role of this variant in disease. Therefore, it has been classified as a Variant of Uncertain Significance.